The following is an entry in ClinVar:

NM_000618.5(IGF1):c.162C>G (p.Cys54Trp)

Genes: IGF1 (insulin like growth factor 1; minus strand), LINC02456 (long independently transcribed non-coding RNA 2456; plus strand). Cytogenetic location: 12q23.2.
Variant type: single nucleotide variant.
Coding change: c.162C>G on transcript NM_000618.5 (MANE Select); coding-DNA position 162, C replaced by G.
Protein change: p.Cys54Trp; replaces cysteine 54 with tryptophan.
Molecular consequence: missense variant.
Genome position (GRCh38, 1-based): chr12:102,475,701, G>C on the plus strand (C>G on the coding strand, the complement: IGF1 is on the minus strand). VCF-style: chr12-102475701-G-C. GRCh37 (hg19) VCF-style: chr12-102869479-G-C.
Other names: c.162C>G, p.Cys54Trp (NM_001111283.3, NM_001111285.3); c.114C>G, p.Cys38Trp (NM_001111284.2); short protein forms C38W, C54W.
Identifiers: ClinVar variation 1309971 (VCV001309971.3), dbSNP rs766707179, ClinGen allele CA386491554.

ClinVar aggregate classification (germline): Uncertain significance. Review status: criteria provided, multiple submitters, no conflicts (2 of 4 stars). 2 submissions from 2 submitters: Uncertain significance (2). Last evaluated 2020-03-04.

Submissions (2):

Blueprint Genetics
Classification: Uncertain significance. Last evaluated: 2020-03-04. Review status: criteria provided, single submitter. Criteria: ACMG Guidelines, 2015. Collection method: clinical testing. Allele origin: germline.

GeneDx
Classification: Uncertain significance. Last evaluated: 2019-11-02. Review status: criteria provided, single submitter. Criteria: GeneDx Variant Classification Process June 2021. Collection method: clinical testing. Allele origin: germline. Affected: yes.
Comment: Not observed in large population cohorts (Lek et al., 2016); In silico analysis, which includes protein predictors and evolutionary conservation, supports a deleterious effect; Has not been previously published as pathogenic or benign to our knowledge